The following is an entry in ClinVar:

ClinVar aggregate classification (germline): Conflicting classifications of pathogenicity. Review status: criteria provided, conflicting classifications (1 of 4 stars). 4 submissions from 4 submitters: Likely pathogenic (1); Uncertain significance (3). Last evaluated 2025-10-01.

Conditions:
Developmental and epileptic encephalopathy, 16 (DEE16). Also called: TBC1D24-Related Developmental and Epileptic Encephalopathy (DEE); Early infantile epileptic encephalopathy 16. Identifiers: Orphanet 293181, Orphanet 352596, MedGen C3809173, MONDO:0014133, OMIM 615338.
Developmental and epileptic encephalopathy, 1 (DEE1). Also called: X-linked infantile spasms; West's syndrome; Tonic spasms with clustering, arrest of psychomotor development and hypsarrhythmia on EEG; X-Linked Infantile Spasm Syndrome; OHTAHARA SYNDROME, X-LINKED; INFANTILE SPASM SYNDROME, X-LINKED 1. Identifiers: MedGen C3463992, MONDO:0010632, OMIM 308350. Disease mechanism: loss of function.
Autosomal dominant nonsyndromic hearing loss 65. Also called: TBC1D24-Related Autosomal Dominant Nonsyndromic Hearing Loss (DFNA); Deafness, autosomal dominant 65. Identifiers: Orphanet 90635, MedGen C3892048, MONDO:0014470, OMIM 616044.
DOORS syndrome (DOORS). Also called: DEAFNESS, ONYCHODYSTROPHY, OSTEODYSTROPHY, IMPAIRED INTELLECTUAL DEVELOPMENT, AND SEIZURES SYNDROME; DOORS Syndrome (Deafness, Onychodystrophy, Osteodystrophy, Mental Retardation, and Seizures); DRC SYNDROME; BRACHYDACTYLY DUE TO ABSENCE OF DISTAL PHALANGES; ERONEN SYNDROME; DOOR SYNDROME. Identifiers: Orphanet 3231, Orphanet 79500, MedGen C0795934, MONDO:0009079, OMIM 220500. Disease mechanism: loss of function.
Rolandic epilepsy-paroxysmal exercise-induced dystonia-writer's cramp syndrome. Also called: TBC1D24-Related Rolandic Epilepsy with Paroxysmal Exercise-Induced Dystonia and Writer's Cramp (EPRPDC); RE-PED-WC. Identifiers: Orphanet 163727, MedGen C1842531, MONDO:0011970, OMIM 608105.
Familial infantile myoclonic epilepsy (FIME). Also called: Epilepsy, Myoclonic, Infantile; TBC1D24-Related Familial Infantile Myoclonic Epilepsy (FIME). Identifiers: Orphanet 352582, MedGen C0917800, MONDO:0011506, OMIM 605021.
Autosomal recessive nonsyndromic hearing loss 86 (DFNB86). Also called: TBC1D24-Related Autosomal Recessive Nonsyndromic Hearing Loss (DFNB); Deafness , autosomal recessive 86. Identifiers: Orphanet 90636, MedGen C2829265, MONDO:0013826, OMIM 614617.

Allele frequency attached by ClinVar (database versions not stated): gnomAD exomes 0.00001 and 0.00002; TOPMed 0.00001; gnomAD 0.00002; ExAC 0.00009.

Submissions (4):

Labcorp Genetics (formerly Invitae), Labcorp
Classification: Uncertain significance for Developmental and epileptic encephalopathy, 1; Autosomal dominant nonsyndromic hearing loss 65. Last evaluated: 2025-10-01. Review status: criteria provided, single submitter. Criteria: Invitae Variant Classification Sherloc (09022015). Collection method: clinical testing. Allele origin: germline.
Comment: This sequence change replaces glycine, which is neutral and non-polar, with arginine, which is basic and polar, at codon 509 of the TBC1D24 protein (p.Gly509Arg). This variant also falls at the last nucleotide of exon 7, which is part of the consensus splice site for this exon. This variant is present in population databases (rs749994791, gnomAD 0.01%). This missense change has been observed in individual(s) with clinical features of autosomal recessive TBC1D24-related conditions (PMID: 37593999). ClinVar contains an entry for this variant (Variation ID: 425091). Invitae Evidence Modeling of protein sequence and biophysical properties (such as structural, functional, and spatial information, amino acid conservation, physicochemical variation, residue mobility, and thermodynamic stability) indicates that this missense variant is expected to disrupt TBC1D24 protein function with a positive predictive value of 95%. Variants that disrupt the consensus splice site are a relatively common cause of aberrant splicing (PMID: 17576681, 9536098). Algorithms developed to predict the effect of sequence changes on RNA splicing suggest that this variant may disrupt the consensus splice site. In summary, the available evidence is currently insufficient to determine the role of this variant in disease. Therefore, it has been classified as a Variant of Uncertain Significance.

Institute of Human Genetics Munich, TUM University Hospital
Classification: Likely pathogenic for Developmental and epileptic encephalopathy, 16. Last evaluated: 2023-01-27. Review status: criteria provided, single submitter. Criteria: Classification criteria August 2017. Collection method: clinical testing. Allele origin: maternal. Inheritance: Autosomal recessive inheritance. Affected: yes. Observed: 1 variant allele.

CeGaT Center for Human Genetics Tuebingen
Classification: Uncertain significance. Last evaluated: 2016-12-01. Review status: criteria provided, single submitter. Criteria: CeGaT Center For Human Genetics Tuebingen Variant Classification Criteria Version 2. Collection method: clinical testing. Allele origin: germline. Affected: yes. Observed: 1 variant allele.

Juno Genomics, Hangzhou Juno Genomics, Inc
Classification: Uncertain significance for Autosomal dominant nonsyndromic hearing loss 65; Autosomal recessive nonsyndromic hearing loss 86; Developmental and epileptic encephalopathy, 16; DOORS syndrome; Rolandic epilepsy-paroxysmal exercise-induced dystonia-writer's cramp syndrome; Familial infantile myoclonic epilepsy. Review status: criteria provided, single submitter. Criteria: ACMG Guidelines, 2015. Collection method: clinical testing. Allele origin: germline.
Comment: Absent from controls (or at extremely low frequency if recessive) in Genome Aggregation Database.;Multiple lines of computational evidence support a deleterious effect on the gene or gene product.

Literature cited by the submitters: PubMed 37593999 (cited by Labcorp Genetics (formerly Invitae), Labcorp); PubMed 17576681 (cited by Labcorp Genetics (formerly Invitae), Labcorp); PubMed 9536098 (cited by Labcorp Genetics (formerly Invitae), Labcorp).

NM_001199107.2(TBC1D24):c.1525G>A (p.Gly509Arg)

Gene: TBC1D24 (TBC1 domain family member 24; plus strand). Cytogenetic location: 16p13.3.
Variant type: single nucleotide variant.
Coding change: c.1525G>A on transcript NM_001199107.2 (MANE Select); coding-DNA position 1525, G replaced by A.
Protein change: p.Gly509Arg; replaces glycine 509 with arginine.
Molecular consequence: missense variant.
Genome position (GRCh38, 1-based): chr16:2,500,490, G>A. VCF-style: chr16-2500490-G-A. GRCh37 (hg19) VCF-style: chr16-2550491-G-A.
Other names: c.1507G>A, p.Gly503Arg (NM_020705.3); short protein forms G509R, G503R.
Identifiers: ClinVar variation 425091 (VCV000425091.50), dbSNP rs749994791, ClinGen allele CA7844312.